The following is an entry in ClinVar:

NM_005189.3(CBX2):c.69C>A (p.Arg23=)

Genes: CBX2 (chromobox 2; plus strand), LOC130061877 (ATAC-STARR-seq lymphoblastoid silent region 9082; plus strand). Cytogenetic location: 17q25.3.
Variant type: single nucleotide variant.
Coding change: c.69C>A on transcript NM_005189.3 (MANE Select); coding-DNA position 69, C replaced by A.
Protein change: p.Arg23=; no amino-acid change (arginine 23 retained).
Molecular consequence: synonymous variant.
Genome position (GRCh38, 1-based): chr17:79,778,304, C>A. VCF-style: chr17-79778304-C-A. GRCh37 (hg19) VCF-style: chr17-77752103-C-A.
Other names: c.69C>A, p.Arg23= (NM_032647.4).
Identifiers: ClinVar variation 2069107 (VCV002069107.29), dbSNP rs575428786, ClinGen allele CA8810960.

ClinVar aggregate classification (germline): Benign/Likely benign. Review status: criteria provided, multiple submitters, no conflicts (2 of 4 stars). 3 submissions from 3 submitters: Benign (1); Likely benign (2). Last evaluated 2025-12-17.

Allele frequency attached by ClinVar (database versions not stated): TOPMed 0.00005; gnomAD 0.00012; gnomAD exomes 0.00028; 1000 Genomes Project 30x 0.00078; 1000 Genomes Project 0.00080; ExAC 0.00145.

Submissions (3):

Labcorp Genetics (formerly Invitae), Labcorp
Classification: Benign. Last evaluated: 2025-12-17. Review status: criteria provided, single submitter. Criteria: Invitae Variant Classification Sherloc (09022015). Collection method: clinical testing. Allele origin: germline.

Blueprint Genetics
Classification: Likely benign. Last evaluated: 2024-11-22. Review status: criteria provided, single submitter. Criteria: ACMG Guidelines, 2015. Collection method: clinical testing. Allele origin: germline.

CeGaT Center for Human Genetics Tuebingen
Classification: Likely benign. Last evaluated: 2022-12-01. Review status: criteria provided, single submitter. Criteria: CeGaT Center For Human Genetics Tuebingen Variant Classification Criteria Version 2. Collection method: clinical testing. Allele origin: germline. Affected: yes. Observed: 1 variant allele.
Comment: CBX2: BP4, BP7